The following is an entry in ClinVar:

NM_003070.5(SMARCA2):c.459G>A (p.Pro153=)

Gene: SMARCA2 (SWI/SNF related BAF chromatin remodeling complex subunit ATPase 2; plus strand). Cytogenetic location: 9p24.3.
Variant type: single nucleotide variant.
Coding change: c.459G>A on transcript NM_003070.5 (MANE Select); coding-DNA position 459, G replaced by A.
Protein change: p.Pro153=; no amino-acid change (proline 153 retained).
Molecular consequence: synonymous variant.
Genome position (GRCh38, 1-based): chr9:2,039,569, G>A. VCF-style: chr9-2039569-G-A. GRCh37 (hg19) VCF-style: chr9-2039569-G-A.
Other names: c.459G>A, p.Pro153= (NM_001289396.2, NM_001289397.2, NM_139045.4).
Identifiers: ClinVar variation 914397 (VCV000914397.7), dbSNP rs375996388, ClinGen allele CA4962863.

ClinVar aggregate classification (germline): Benign/Likely benign. Review status: criteria provided, multiple submitters, no conflicts (2 of 4 stars). 2 submissions from 2 submitters: Benign (1); Likely benign (1). Last evaluated 2020-12-02.

Conditions:
Nicolaides-Baraitser syndrome (NCBRS). Also called: SMARCA2-Related Nicolaides-Baraitser Syndrome; Intellectual disability-sparse hair-brachydactyly syndrome. Identifiers: Orphanet 3051, MedGen C1303073, MONDO:0011053, OMIM 601358.

Allele frequency attached by ClinVar (database versions not stated): ExAC 0.00007; gnomAD exomes 0.00011; gnomAD 0.00022 and 0.00023; ESP Exome Variant Server 0.00023; TOPMed 0.00025.
gnomAD v4.1: 79 of 1,614,102 alleles (0.0049%); highest among the groups gnomAD compares: African/African-American, 0.065%; no homozygotes.

Submissions (2):

GeneDx
Classification: Benign. Last evaluated: 2020-12-02. Review status: criteria provided, single submitter. Criteria: GeneDx Variant Classification Process June 2021. Collection method: clinical testing. Allele origin: germline. Affected: yes.

Illumina Laboratory Services, Illumina
Classification: Likely benign for Nicolaides-Baraitser syndrome. Last evaluated: 2018-01-13. Review status: criteria provided, single submitter. Criteria: ICSL Variant Classification Criteria 13 December 2019. Collection method: clinical testing. Allele origin: germline.
Comment: This variant was observed in the ICSL laboratory as part of a predisposition screen in an ostensibly healthy population. It had not been previously curated by ICSL or reported in the Human Gene Mutation Database (HGMD: prior to June 1st, 2018), and was therefore a candidate for classification through an automated scoring system. Utilizing variant allele frequency, disease prevalence and penetrance estimates, and inheritance mode, an automated score was calculated to assess if this variant is too frequent to cause the disease. Based on the score and internal cut-off values, a variant classified as likely benign is not then subjected to further curation. The score for this variant resulted in a classification of likely benign for this disease.